The following is an entry in ClinVar:

ClinVar aggregate classification (germline): Uncertain significance. Review status: criteria provided, multiple submitters, no conflicts (2 of 4 stars). 2 submissions from 2 submitters: Uncertain significance (2). Last evaluated 2025-05-19.

Conditions:
MEGF10-related myopathy (CMYO10A). Also called: Congenital myopathy 10A, severe variant. Identifiers: Orphanet 439212, MedGen C3280679, MONDO:0013731, OMIM 614399.

Allele frequency attached by ClinVar (database versions not stated): gnomAD 0.00003 and 0.00004; TOPMed 0.00005; ESP Exome Variant Server 0.00008.

Submissions (2):

Revvity Omics, Revvity
Classification: Uncertain significance. Last evaluated: 2025-05-19. Review status: criteria provided, single submitter. Criteria: ACMG Guidelines, 2015. Collection method: clinical testing. Allele origin: germline.

Labcorp Genetics (formerly Invitae), Labcorp
Classification: Uncertain significance for MEGF10-related myopathy. Last evaluated: 2024-11-25. Review status: criteria provided, single submitter. Criteria: Invitae Variant Classification Sherloc (09022015). Collection method: clinical testing. Allele origin: germline.
Comment: This sequence change replaces arginine, which is basic and polar, with histidine, which is basic and polar, at codon 211 of the MEGF10 protein (p.Arg211His). This variant is present in population databases (rs377520032, gnomAD 0.01%). This variant has not been reported in the literature in individuals affected with MEGF10-related conditions. ClinVar contains an entry for this variant (Variation ID: 1507410). Invitae Evidence Modeling of protein sequence and biophysical properties (such as structural, functional, and spatial information, amino acid conservation, physicochemical variation, residue mobility, and thermodynamic stability) indicates that this missense variant is not expected to disrupt MEGF10 protein function with a negative predictive value of 80%. In summary, the available evidence is currently insufficient to determine the role of this variant in disease. Therefore, it has been classified as a Variant of Uncertain Significance.

NM_001256545.2(MEGF10):c.632G>A (p.Arg211His)

Gene: MEGF10 (multiple EGF like domains 10; plus strand). Cytogenetic location: 5q23.2.
Variant type: single nucleotide variant.
Coding change: c.632G>A on transcript NM_001256545.2 (MANE Select); coding-DNA position 632, G replaced by A.
Protein change: p.Arg211His; replaces arginine 211 with histidine.
Molecular consequence: missense variant.
Genome position (GRCh38, 1-based): chr5:127,396,751, G>A. VCF-style: chr5-127396751-G-A. GRCh37 (hg19) VCF-style: chr5-126732443-G-A.
Other names: c.632G>A, p.Arg211His (NM_001308119.2, NM_001308121.2, NM_032446.3); short protein forms R211H.
Identifiers: ClinVar variation 1507410 (VCV001507410.6), dbSNP rs377520032, ClinGen allele CA3391348.